The following is an entry in ClinVar:

ClinVar aggregate classification (germline): Uncertain significance (1 of 4 stars; one submission).

Conditions:
Inborn genetic diseases. Identifiers: MedGen C0950123, MeSH D030342.

Submission:

Ambry Genetics
Classification: Uncertain significance for Inborn genetic diseases. Last evaluated: 2021-03-23. Review status: criteria provided, single submitter. Criteria: Ambry Variant Classification Scheme 2023. Collection method: clinical testing. Allele origin: germline.
Comment: The c.4183A>G (p.I1395V) alteration is located in exon 24 (coding exon 24) of the NBEA gene. This alteration results from a A to G substitution at nucleotide position 4183, causing the isoleucine (I) at amino acid position 1395 to be replaced by a valine (V). The p.I1395V alteration is predicted to be tolerated by in silico analysis. Based on insufficient or conflicting evidence, the clinical significance of this alteration remains unclear.

NM_001385012.1(NBEA):c.4183A>G (p.Ile1395Val)

Gene: NBEA (neurobeachin; plus strand). Cytogenetic location: 13q13.3.
Variant type: single nucleotide variant.
Coding change: c.4183A>G on transcript NM_001385012.1 (MANE Select); coding-DNA position 4183, A replaced by G.
Protein change: p.Ile1395Val; replaces isoleucine 1395 with valine.
Molecular consequence: missense variant.
Genome position (GRCh38, 1-based): chr13:35,164,459, A>G. VCF-style: chr13-35164459-A-G. GRCh37 (hg19) VCF-style: chr13-35738596-A-G.
Other names: c.4183A>G, p.Ile1395Val (NM_001379245.1, NM_015678.5); short protein forms I1395V.
Identifiers: ClinVar variation 2229489 (VCV002229489.2), dbSNP rs2503702466, ClinGen allele CA387840533.
Genomic context (GRCh38, chr13:35,164,459, plus strand): 5'-AATATTATTTTTGTACATAACACAATTCACCTCATTTCCCAAATGGTAGACAACATCATC[A>G]TTGCTTGTGGAGGAATTTTACCTTTGCTCTCTGCTGCTACATCACCAACTGTAAGTACTT-3'
Protein context (NP_001371941.1, residues 1385-1405): LISQMVDNII[Ile1395Val]ACGGILPLLS